The following is an entry in ClinVar:

NM_000051.4(ATM):c.4896G>A (p.Met1632Ile)

Gene: ATM (ATM serine/threonine kinase; plus strand). Cytogenetic location: 11q22.3.
Variant type: single nucleotide variant.
Coding change: c.4896G>A on transcript NM_000051.4 (MANE Select); coding-DNA position 4896, G replaced by A.
Protein change: p.Met1632Ile; replaces methionine 1632 with isoleucine.
Molecular consequence: missense variant.
Genome position (GRCh38, 1-based): chr11:108,295,046, G>A. VCF-style: chr11-108295046-G-A. GRCh37 (hg19) VCF-style: chr11-108165773-G-A.
Other names: c.4896G>A, p.Met1632Ile (NM_001351834.2); short protein forms M1632I.
Identifiers: ClinVar variation 453543 (VCV000453543.18), dbSNP rs933030670, ClinGen allele CA228380838.

ClinVar aggregate classification (germline): Conflicting classifications of pathogenicity. Review status: criteria provided, conflicting classifications (1 of 4 stars). 3 submissions from 3 submitters: Uncertain significance (2); Likely benign (1). Last evaluated 2025-08-12.

Conditions:
Hereditary cancer-predisposing syndrome. Also called: Tumor predisposition; Hereditary Cancer Syndrome; Neoplastic Syndromes, Hereditary; Hereditary neoplastic syndrome. Identifiers: Orphanet 140162, MedGen C0027672, MeSH D009386, MONDO:0015356.
Ataxia-telangiectasia syndrome (AT). Also called: Cerebello-oculocutaneous telangiectasia; Immunodeficiency with ataxia telangiectasia; Ataxia-telangiectasia, complementation group D; AT, COMPLEMENTATION GROUP C; Ataxia-telangiectasia, complementation group E; LOUIS-BAR SYNDROME. Identifiers: Orphanet 100, MedGen C0004135, MONDO:0008840, OMIM 208900.

Allele frequency attached by ClinVar (database versions not stated): TOPMed below 0.00001.

Submissions (3):

GeneDx
Classification: Uncertain significance. Last evaluated: 2025-08-12. Review status: criteria provided, single submitter. Criteria: GeneDx Variant Classification Process June 2021. Collection method: clinical testing. Allele origin: germline. Affected: yes.
Comment: Not observed at significant frequency in large population cohorts (gnomAD); In silico analysis suggests that this missense variant does not alter protein structure/function; Has not been previously published as pathogenic or benign to our knowledge

Ambry Genetics
Classification: Likely benign for Hereditary cancer-predisposing syndrome. Last evaluated: 2025-01-23. Review status: criteria provided, single submitter. Criteria: Ambry Variant Classification Scheme 2023. Collection method: clinical testing. Allele origin: germline.

Labcorp Genetics (formerly Invitae), Labcorp
Classification: Uncertain significance for Ataxia-telangiectasia syndrome. Last evaluated: 2024-06-25. Review status: criteria provided, single submitter. Criteria: Invitae Variant Classification Sherloc (09022015). Collection method: clinical testing. Allele origin: germline.
Comment: This sequence change replaces methionine, which is neutral and non-polar, with isoleucine, which is neutral and non-polar, at codon 1632 of the ATM protein (p.Met1632Ile). This variant is not present in population databases (gnomAD no frequency). This variant has not been reported in the literature in individuals affected with ATM-related conditions. ClinVar contains an entry for this variant (Variation ID: 453543). Algorithms developed to predict the effect of missense changes on protein structure and function output the following: SIFT: "Not Available"; PolyPhen-2: "Benign"; Align-GVGD: "Not Available". The isoleucine amino acid residue is found in multiple mammalian species, which suggests that this missense change does not adversely affect protein function. In summary, the available evidence is currently insufficient to determine the role of this variant in disease. Therefore, it has been classified as a Variant of Uncertain Significance.